The following is an entry in ClinVar:

ClinVar aggregate classification (germline): Uncertain significance. Review status: criteria provided, multiple submitters, no conflicts (2 of 4 stars). 2 submissions from 2 submitters: Uncertain significance (2). Last evaluated 2025-07-16.

Conditions:
Epidermolysis bullosa simplex with nail dystrophy (EBS5D). Identifiers: MedGen C4225309, MONDO:0014661, OMIM 616487.
Epidermolysis bullosa simplex, Ogna type (EBS5A). Also called: Pidermolysis bullosa simplex 5A, Ogna type; EPIDERMOLYSIS BULLOSA SIMPLEX 5A, OGNA TYPE. Identifiers: Orphanet 79401, MedGen C0432317, MONDO:0007555, OMIM 131950.
Autosomal recessive limb-girdle muscular dystrophy type 2Q (LGMDR17). Also called: MUSCULAR DYSTROPHY, LIMB-GIRDLE, AUTOSOMAL RECESSIVE 17. Identifiers: Orphanet 254361, MedGen C3150989, MONDO:0013390, OMIM 613723.
Epidermolysis bullosa simplex 5B, with muscular dystrophy (EBS5B). Also called: EPIDERMOLYSIS BULLOSA SIMPLEX AND LIMB-GIRDLE MUSCULAR DYSTROPHY; Epidermolysis bullosa simplex with muscular dystrophy. Identifiers: Orphanet 257, MedGen C2931072, MONDO:0009181, OMIM 226670.
Epidermolysis bullosa simplex 5C, with pyloric atresia (EBS5C). Also called: PLEC-Related Epidermolysis Bullosa with Pyloric Atresia; Epidermolysis bullosa simplex with pyloric atresia; PLEC1-Related Epidermolysis Bullosa with Pyloric Atresia. Identifiers: Orphanet 158684, MedGen C2677349, MONDO:0012807, OMIM 612138.
Inborn genetic diseases. Identifiers: MedGen C0950123, MeSH D030342.

gnomAD v4.1: 19 of 1,546,744 alleles (0.0012%); highest among the groups gnomAD compares: Admixed American, 0.024%; no homozygotes.

Submissions (2):

Labcorp Genetics (formerly Invitae), Labcorp
Classification: Uncertain significance for Autosomal recessive limb-girdle muscular dystrophy type 2Q; Epidermolysis bullosa simplex, Ogna type; Epidermolysis bullosa simplex with nail dystrophy; Epidermolysis bullosa simplex 5C, with pyloric atresia; Epidermolysis bullosa simplex 5B, with muscular dystrophy. Last evaluated: 2025-07-16. Review status: criteria provided, single submitter. Criteria: Invitae Variant Classification Sherloc (09022015). Collection method: clinical testing. Allele origin: germline.
Comment: This sequence change replaces arginine, which is basic and polar, with cysteine, which is neutral and slightly polar, at codon 4556 of the PLEC protein (p.Arg4556Cys). This variant is present in population databases (no rsID available, gnomAD 0.02%). This variant has not been reported in the literature in individuals affected with PLEC-related conditions. Experimental studies and prediction algorithms are not available or were not evaluated, and the functional significance of this variant is currently unknown. In summary, the available evidence is currently insufficient to determine the role of this variant in disease. Therefore, it has been classified as a Variant of Uncertain Significance.

Ambry Genetics
Classification: Uncertain significance for Inborn genetic diseases. Last evaluated: 2025-06-18. Review status: criteria provided, single submitter. Criteria: Ambry Variant Classification Scheme 2023. Collection method: clinical testing. Allele origin: germline.

NM_201384.3(PLEC):c.13585C>T (p.Arg4529Cys)

Gene: PLEC (plectin; minus strand). Cytogenetic location: 8q24.3.
Variant type: single nucleotide variant.
Coding change: c.13585C>T on transcript NM_201384.3 (MANE Select); coding-DNA position 13585, C replaced by T.
Protein change: p.Arg4529Cys; replaces arginine 4529 with cysteine.
Molecular consequence: missense variant.
Genome position (GRCh38, 1-based): chr8:143,916,236, G>A on the plus strand (C>T on the coding strand, the complement: PLEC is on the minus strand). VCF-style: chr8-143916236-G-A. GRCh37 (hg19) VCF-style: chr8-144990404-G-A.
Other names: c.13666C>T, p.Arg4556Cys (NM_000445.5); c.10285C>T, p.Arg3429Cys (NM_001410941.1); c.13543C>T, p.Arg4515Cys (NM_201378.4); c.13519C>T, p.Arg4507Cys (NM_201379.3); c.13996C>T, p.Arg4666Cys (NM_201380.4); c.13489C>T, p.Arg4497Cys (NM_201381.3); c.13585C>T, p.Arg4529Cys (NM_201382.4); c.13597C>T, p.Arg4533Cys (NM_201383.3); short protein forms R4497C, R4556C, R4507C, R4529C, R4533C, R4666C, R3429C, R4515C.
Identifiers: ClinVar variation 4138960 (VCV004138960.2).